The following is an entry in ClinVar:

ClinVar aggregate classification (germline): Uncertain significance (1 of 4 stars; one submission).

Conditions:
Saldino-Mainzer syndrome (SRTD9). Also called: short-rib thoracic dysplasia 9 with or without polydactyly; CONORENAL SYNDROME; Renal dysplasia, retinal pigmentary dystrophy, cerebellar ataxia and skeletal dysplasia; SHORT-RIB THORACIC DYSPLASIA 9 WITHOUT POLYDACTYLY. Identifiers: Orphanet 140969, MedGen C1849437, MONDO:0009964, OMIM 266920.

Submission:

Labcorp Genetics (formerly Invitae), Labcorp
Classification: Uncertain significance for Saldino-Mainzer syndrome. Last evaluated: 2022-04-12. Review status: criteria provided, single submitter. Criteria: Invitae Variant Classification Sherloc (09022015). Collection method: clinical testing. Allele origin: germline.
Comment: This sequence change replaces leucine, which is neutral and non-polar, with proline, which is neutral and non-polar, at codon 942 of the IFT140 protein (p.Leu942Pro). In summary, the available evidence is currently insufficient to determine the role of this variant in disease. Therefore, it has been classified as a Variant of Uncertain Significance. Algorithms developed to predict the effect of missense changes on protein structure and function output the following: SIFT: "Tolerated"; PolyPhen-2: "Benign"; Align-GVGD: "Class C0". The proline amino acid residue is found in multiple mammalian species, which suggests that this missense change does not adversely affect protein function. This variant has not been reported in the literature in individuals affected with IFT140-related conditions. This variant is not present in population databases (gnomAD no frequency).

NM_014714.4(IFT140):c.2825T>C (p.Leu942Pro)

Genes: IFT140 (intraflagellar transport 140; minus strand), LOC126862260 (CDK7 strongly-dependent group 2 enhancer GRCh37_chr16:1574508-1575707; plus strand). Cytogenetic location: 16p13.3.
Variant type: single nucleotide variant.
Coding change: c.2825T>C on transcript NM_014714.4 (MANE Select); coding-DNA position 2825, T replaced by C.
Protein change: p.Leu942Pro; replaces leucine 942 with proline.
Molecular consequence: missense variant.
Genome position (GRCh38, 1-based): chr16:1,525,270, A>G on the plus strand (T>C on the coding strand, the complement: IFT140 is on the minus strand). VCF-style: chr16-1525270-A-G. GRCh37 (hg19) VCF-style: chr16-1575271-A-G.
Other names: short protein forms L942P.
Identifiers: ClinVar variation 2125186 (VCV002125186.4), dbSNP rs2506121877, ClinGen allele CA394226764.